The following is an entry in ClinVar:

NM_004360.5(CDH1):c.532A>G (p.Ile178Val)

Gene: CDH1 (cadherin 1; plus strand). Cytogenetic location: 16q22.1.
Variant type: single nucleotide variant.
Coding change: c.532A>G on transcript NM_004360.5 (MANE Select); coding-DNA position 532, A replaced by G.
Protein change: p.Ile178Val; replaces isoleucine 178 with valine.
Molecular consequence: missense variant. On other transcripts: 5 prime UTR variant (2).
Genome position (GRCh38, 1-based): chr16:68,808,693, A>G. VCF-style: chr16-68808693-A-G. GRCh37 (hg19) VCF-style: chr16-68842596-A-G.
Other names: c.532A>G, p.Ile178Val (NM_001317184.2); c.-1084A>G (NM_001317185.2); c.-1288A>G (NM_001317186.2); short protein forms I178V.
Identifiers: ClinVar variation 2054614 (VCV002054614.4), dbSNP rs2152130043, ClinGen allele CA396457836.

ClinVar aggregate classification (germline): Uncertain significance (1 of 4 stars; one submission).

Conditions:
Hereditary diffuse gastric adenocarcinoma (HDGC). Also called: DIFFUSE GASTRIC AND LOBULAR BREAST CANCER SYNDROME. Identifiers: Orphanet 26106, MedGen C1708349, MONDO:0007648, OMIM 137215.

Submission:

Labcorp Genetics (formerly Invitae), Labcorp
Classification: Uncertain significance for Hereditary diffuse gastric adenocarcinoma. Last evaluated: 2021-12-23. Review status: criteria provided, single submitter. Criteria: Invitae Variant Classification Sherloc (09022015). Collection method: clinical testing. Allele origin: germline.
Comment: This sequence change replaces isoleucine, which is neutral and non-polar, with valine, which is neutral and non-polar, at codon 178 of the CDH1 protein (p.Ile178Val). In summary, the available evidence is currently insufficient to determine the role of this variant in disease. Therefore, it has been classified as a Variant of Uncertain Significance. Algorithms developed to predict the effect of sequence changes on RNA splicing suggest that this variant may create or strengthen a splice site. Algorithms developed to predict the effect of missense changes on protein structure and function (SIFT, PolyPhen-2, Align-GVGD) all suggest that this variant is likely to be disruptive. This variant has not been reported in the literature in individuals affected with CDH1-related conditions. This variant is not present in population databases (gnomAD no frequency).